The following is an entry in ClinVar:

NM_000135.4(FANCA):c.3348+1G>T

Gene: FANCA (FA complementation group A; minus strand). Cytogenetic location: 16q24.3.
Variant type: single nucleotide variant.
Coding change: c.3348+1G>T on transcript NM_000135.4 (MANE Select); the canonical splice donor site of the intron after coding-DNA position 3348, G replaced by T.
Molecular consequence: splice donor variant.
Genome position (GRCh38, 1-based): chr16:89,748,658, C>A on the plus strand (G>T on the coding strand, the complement: FANCA is on the minus strand). VCF-style: chr16-89748658-C-A. GRCh37 (hg19) VCF-style: chr16-89815066-C-A.
Other names: c.3348+1G>T (NM_001286167.3).
Identifiers: ClinVar variation 3075866 (VCV003075866.2), dbSNP rs751266148, ClinGen allele CA286625314.

ClinVar aggregate classification (germline): Pathogenic. Review status: criteria provided, multiple submitters, no conflicts (2 of 4 stars). 2 submissions from 2 submitters: Pathogenic (2). Last evaluated 2026-07-30.

Conditions:
Fanconi anemia complementation group A (FANCA). Also called: Fanconi anemia, group A; FANCA-Related Fanconi Anemia. Identifiers: Orphanet 84, MedGen C3469521, MONDO:0009215, OMIM 227650.
Fanconi anemia (FA). Also called: Fanconi's anemia. Identifiers: Orphanet 84, MedGen C0015625, MeSH D005199, MONDO:0019391.

Submissions (2):

Myriad Genetics, Inc.
Classification: Pathogenic for Fanconi anemia complementation group A. Last evaluated: 2026-07-30. Review status: criteria provided, single submitter. Criteria: Myriad Autosomal Dominant, Autosomal Recessive and X-Linked Classification Criteria (2023). Collection method: clinical testing. Allele origin: unknown.
Comment: NM_000135.2(FANCA):c.3348+1G>T is a variant in a canonical splice site classified as pathogenic in the context of Fanconi anemia complementation group A. c.3348+1G>T has been observed in a case with relevant disease (PMID: 27041517). Relevant functional assessments of this variant are not available in the literature. c.3348+1G>T has not been observed in referenced population frequency databases. In summary, NM_000135.2(FANCA):c.3348+1G>T is a variant in a canonical splice site in a gene where loss of function is a known mechanism of disease, is predicted to disrupt protein function, and has been observed more frequently in cases with the relevant disease than in healthy populations. Please note: this variant was assessed in the context of healthy population screening.

Laboratory for Molecular Medicine, Mass General Brigham Personalized Medicine
Classification: Pathogenic for Fanconi anemia. Last evaluated: 2022-06-30. Review status: criteria provided, single submitter. Criteria: ACMG Guidelines, 2015. Collection method: clinical testing. Allele origin: germline.
Comment: The c.3348+1G>T variant in FANCA has been reported in 3 Fanconi anemia patients in the compound het state with pathogenic FANCA variants. The variant was absent from large population studies. This variant occurs within the canonical splice site (+/- 1,2) and is predicted to cause altered splicing leading to an abnormal or absent protein. Loss of function of the FANCA gene is an established disease mechanism in Fanconi anemia complementation group A. In summary, this variant meets criteria to be classified as pathogenic for autosomal recessive Fanconi anemia complementation group A. ACMG/AMP criteria applied: PVS1, PM3_S, PM2_P.

Literature cited by the submitters: PubMed 27041517 (cited by Myriad Genetics, Inc.).